The following is an entry in ClinVar:

NM_004168.4(SDHA):c.46C>T (p.Leu16=)

Gene: SDHA (succinate dehydrogenase complex flavoprotein subunit A; plus strand). Cytogenetic location: 5p15.33.
Variant type: single nucleotide variant.
Coding change: c.46C>T on transcript NM_004168.4 (MANE Select); coding-DNA position 46, C replaced by T.
Protein change: p.Leu16=; no amino-acid change (leucine 16 retained).
Molecular consequence: synonymous variant.
Genome position (GRCh38, 1-based): chr5:218,401, C>T. VCF-style: chr5-218401-C-T. GRCh37 (hg19) VCF-style: chr5-218516-C-T.
Other names: c.46C>T, p.Leu16= (NM_001294332.2, NM_001330758.2); c.46C>T (NM_004168.2).
Identifiers: ClinVar variation 745215 (VCV000745215.13), dbSNP rs1579369903, ClinGen allele CA442689563.
Genomic context (GRCh38, chr5:218,401, plus strand): 5'-GCGGCAACAGCAGACATGTCGGGGGTCCGGGGCCTGTCGCGGCTGCTGAGCGCTCGGCGC[C>T]TGGCGCTGGCCAAGGCGGTGAGTCCGTGCCGCGGACCGGGGCGGGGCAGGCGGGGGCCGA-3'
Protein context (NP_004159.2, residues 6-26): GLSRLLSARR[Leu16=]ALAKAWPTVL

ClinVar aggregate classification (germline): Benign/Likely benign. Review status: criteria provided, multiple submitters, no conflicts (2 of 4 stars). 3 submissions from 3 submitters: Benign (1); Likely benign (2). Last evaluated 2025-10-31.

Conditions:
Pheochromocytoma/paraganglioma syndrome 5. Also called: Paragangliomas 5; SDHA-Related Hereditary Paraganglioma-Pheochromocytoma Syndrome. Identifiers: Orphanet 29072, MedGen C3279992, MONDO:0013602, OMIM 614165.
Mitochondrial complex II deficiency, nuclear type 1. Also called: SUCCINATE CoQ REDUCTASE DEFICIENCY. Identifiers: Orphanet 3208, MedGen C5700310, MONDO:0100294, OMIM 252011.
Hereditary cancer-predisposing syndrome. Also called: Tumor predisposition; Neoplastic Syndromes, Hereditary; Hereditary Cancer Syndrome; Hereditary neoplastic syndrome. Identifiers: Orphanet 140162, MedGen C0027672, MeSH D009386, MONDO:0015356.

Allele frequency attached by ClinVar (database versions not stated): gnomAD exomes below 0.00001.
gnomAD v4.1: 2 of 1,445,930 alleles (0.00014%); highest among the groups gnomAD compares: Non-Finnish European, 0.00018%; no homozygotes.

Submissions (3):

Labcorp Genetics (formerly Invitae), Labcorp
Classification: Likely benign for Pheochromocytoma/paraganglioma syndrome 5; Mitochondrial complex II deficiency, nuclear type 1. Last evaluated: 2025-10-31. Review status: criteria provided, single submitter. Criteria: Invitae Variant Classification Sherloc (09022015). Collection method: clinical testing. Allele origin: germline.

Myriad Genetics, Inc.
Classification: Benign for Pheochromocytoma/paraganglioma syndrome 5. Last evaluated: 2025-02-28. Review status: criteria provided, single submitter. Criteria: Myriad Autosomal Dominant, Autosomal Recessive and X-Linked Classification Criteria (2023). Collection method: clinical testing. Allele origin: unknown.
Comment: This variant is considered benign. This variant is a silent/synonymous amino acid change and it is not expected to impact splicing.

Ambry Genetics
Classification: Likely benign for Hereditary cancer-predisposing syndrome. Last evaluated: 2023-12-14. Review status: criteria provided, single submitter. Criteria: Ambry Variant Classification Scheme 2023. Collection method: clinical testing. Allele origin: germline.